The following is an entry in ClinVar:

NM_014244.5(ADAMTS2):c.1644A>G (p.Gly548=)

Gene: ADAMTS2 (ADAM metallopeptidase with thrombospondin type 1 motif 2; minus strand). Cytogenetic location: 5q35.3.
Variant type: single nucleotide variant.
Coding change: c.1644A>G on transcript NM_014244.5 (MANE Select); coding-DNA position 1644, A replaced by G.
Protein change: p.Gly548=; no amino-acid change (glycine 548 retained).
Molecular consequence: synonymous variant.
Genome position (GRCh38, 1-based): chr5:179,140,021, T>C on the plus strand (A>G on the coding strand, the complement: ADAMTS2 is on the minus strand). VCF-style: chr5-179140021-T-C. GRCh37 (hg19) VCF-style: chr5-178567022-T-C.
Other names: p.Gly548=.
Identifiers: ClinVar variation 353120 (VCV000353120.34), dbSNP rs61731454, ClinGen allele CA3595815.

ClinVar aggregate classification (germline): Benign/Likely benign. Review status: criteria provided, multiple submitters, no conflicts (2 of 4 stars). 7 submissions from 7 submitters: Benign (5); Likely benign (1). 1 of the submissions does not count toward it. Last evaluated 2026-02-02.

Conditions:
Ehlers-Danlos syndrome, dermatosparaxis type. Also called: EDS VIIC; Dermatosparaxis; Ehlers-Danlos syndrome, type VII, autosomal recessive. Identifiers: Orphanet 1901, MedGen C2700425, MONDO:0009161, OMIM 225410.
Ehlers-Danlos syndrome (EDS). Identifiers: Orphanet 98249, MedGen C0013720, MONDO:0020066.

Allele frequency attached by ClinVar (database versions not stated): gnomAD exomes 0.00077 and 0.00191; ExAC 0.00234; gnomAD 0.00719 and 0.00766; ESP Exome Variant Server 0.00807; TOPMed 0.00809; 1000 Genomes Project 0.00859; 1000 Genomes Project 30x 0.00890.
gnomAD v4.1: 2,311 of 1,613,978 alleles (0.14%); highest among the groups gnomAD compares: African/African-American, 2.6%; 30 homozygotes.

Submissions (7):

Labcorp Genetics (formerly Invitae), Labcorp
Classification: Benign for Ehlers-Danlos syndrome, dermatosparaxis type. Last evaluated: 2026-02-02. Review status: criteria provided, single submitter. Criteria: Invitae Variant Classification Sherloc (09022015). Collection method: clinical testing. Allele origin: germline.

Women's Health and Genetics/Laboratory Corporation of America, LabCorp
Classification: Benign. Last evaluated: 2026-01-22. Review status: criteria provided, single submitter. Criteria: LabCorp Variant Classification Summary - May 2015. Collection method: clinical testing. Allele origin: germline.

Mayo Clinic Laboratories, Mayo Clinic
Classification: Benign. Last evaluated: 2022-06-07. Review status: criteria provided, single submitter. Criteria: ACMG Guidelines, 2015. Collection method: clinical testing. Allele origin: germline. Observed: 8 variant alleles.
Comment: BS1, BS2, BP4, BP7

Genome Diagnostics Laboratory, The Hospital for Sick Children
Classification: Likely benign for Ehlers-Danlos syndrome. Last evaluated: 2020-04-01. Review status: criteria provided, single submitter. Criteria: ACMG Guidelines, 2015. Collection method: clinical testing. Allele origin: germline.

GeneDx
Classification: Benign. Last evaluated: 2018-08-14. Review status: criteria provided, single submitter. Criteria: GeneDx Variant Classification Process June 2021. Collection method: clinical testing. Allele origin: germline. Affected: yes.

Illumina Laboratory Services, Illumina
Classification: Benign for Ehlers-Danlos syndrome, dermatosparaxis type. Last evaluated: 2018-01-12. Review status: criteria provided, single submitter. Criteria: ICSL Variant Classification Criteria 13 December 2019. Collection method: clinical testing. Allele origin: germline.
Comment: This variant was observed in the ICSL laboratory as part of a predisposition screen in an ostensibly healthy population. It had not been previously curated by ICSL or reported in the Human Gene Mutation Database (HGMD: prior to June 1st, 2018), and was therefore a candidate for classification through an automated scoring system. Utilizing variant allele frequency, disease prevalence and penetrance estimates, and inheritance mode, an automated score was calculated to assess if this variant is too frequent to cause the disease. Based on the score and internal cut-off values, a variant classified as benign is not then subjected to further curation. The score for this variant resulted in a classification of benign for this disease.

Natera, Inc.
Classification: Benign for Ehlers-Danlos syndrome type VIIC. Last evaluated: 2019-10-18. Review status: no assertion criteria provided. Collection method: clinical testing. Allele origin: germline. Not counted in ClinVar's aggregate classification.